The following is an entry in ClinVar:

ClinVar aggregate classification (germline): Uncertain significance. Review status: criteria provided, multiple submitters, no conflicts (2 of 4 stars). 2 submissions from 2 submitters: Uncertain significance (2). Last evaluated 2024-10-11.

Conditions:
IFT172-related disorder. Also called: IFT172-related disorders; IFT172-related condition.
Inborn genetic diseases. Identifiers: MedGen C0950123, MeSH D030342.

Submissions (2):

PreventionGenetics, part of Exact Sciences
Classification: Uncertain significance for IFT172-related condition. Last evaluated: 2024-10-11. Review status: criteria provided, single submitter. Criteria: ACMG Guidelines, 2015. Collection method: clinical testing. Allele origin: germline.
Comment: The IFT172 c.203T>C variant is predicted to result in the amino acid substitution p.Met68Thr. To our knowledge, this variant has not been reported in the literature or in a large population database, indicating this variant is rare. At this time, the clinical significance of this variant is uncertain due to the absence of conclusive functional and genetic evidence.

Ambry Genetics
Classification: Uncertain significance for Inborn genetic diseases. Last evaluated: 2021-08-13. Review status: criteria provided, single submitter. Criteria: Ambry Variant Classification Scheme 2023. Collection method: clinical testing. Allele origin: germline.

NM_015662.3(IFT172):c.203T>C (p.Met68Thr)

Gene: IFT172 (intraflagellar transport 172; minus strand). Cytogenetic location: 2p23.3.
Variant type: single nucleotide variant.
Coding change: c.203T>C on transcript NM_015662.3 (MANE Select); coding-DNA position 203, T replaced by C.
Protein change: p.Met68Thr; replaces methionine 68 with threonine.
Molecular consequence: missense variant.
Genome position (GRCh38, 1-based): chr2:27,485,111, A>G on the plus strand (T>C on the coding strand, the complement: IFT172 is on the minus strand). VCF-style: chr2-27485111-A-G. GRCh37 (hg19) VCF-style: chr2-27707978-A-G.
Other names: c.203T>C, p.Met68Thr (NM_001410739.1); c.203T>C (NM_015662.2); short protein forms M68T.
Identifiers: ClinVar variation 2245121 (VCV002245121.3), dbSNP rs1357949641, ClinGen allele CA346402755.
Genomic context (GRCh38, chr2:27,485,111, plus strand): 5'-TTGTCAGTCTGTCCTATGGCAATTTTAGTGGAATCAGGAGAAAAAGCCATGCCCTTCACC[A>G]TATAGCTCTTCCTGCCATACTAAGAGTTTAAAAAAAAAAAAAGAAAGAAAAAGAAGTAAT-3'
Protein context (NP_056477.1, residues 58-78): ADMKYGRKSY[Met68Thr]VKGMAFSPDS